The following is an entry in ClinVar:

ClinVar aggregate classification (germline): Likely pathogenic (1 of 4 stars; one submission).

Conditions:
Cystic fibrosis (CF). Also called: MUCOVISCIDOSIS. Identifiers: Orphanet 586, MedGen C0010674, MONDO:0009061, OMIM 219700. Disease mechanism: loss of function.

Submission:

Women's Health and Genetics/Laboratory Corporation of America, LabCorp
Classification: Likely pathogenic for Cystic fibrosis. Last evaluated: 2025-11-12. Review status: criteria provided, single submitter. Criteria: LabCorp Variant Classification Summary - May 2015. Collection method: clinical testing. Allele origin: germline.
Comment: Variant summary: CFTR c.2658-2A>C is located in a canonical splice-site and is predicted to affect mRNA splicing resulting in a significantly altered protein due to either exon skipping, shortening, or inclusion of intronic material. Variants that disrupt the consensus splice site are a relatively common cause of aberrant splicing and loss of CFTR function. Several computational tools predict a significant impact on normal splicing: Four predict the variant abolishes a 3' acceptor site. However, these predictions have yet to be confirmed by functional studies. The variant was absent in 251060 control chromosomes. To our knowledge, no occurrence of c.2658-2A>C in individuals affected with CFTR-related conditions and no experimental evidence demonstrating its impact on protein function have been reported. No submitters have cited clinical-significance assessments for this variant to ClinVar. Based on the evidence outlined above, the variant was classified as likely pathogenic.

NM_000492.4(CFTR):c.2658-2A>C

Gene: CFTR (CF transmembrane conductance regulator; plus strand). Cytogenetic location: 7q31.2.
Variant type: single nucleotide variant.
Coding change: c.2658-2A>C on transcript NM_000492.4 (MANE Select); the canonical splice acceptor site of the intron before coding-DNA position 2658, A replaced by C.
Molecular consequence: splice acceptor variant.
Genome position (GRCh38, 1-based): chr7:117,603,530, A>C. VCF-style: chr7-117603530-A-C. GRCh37 (hg19) VCF-style: chr7-117243584-A-C.
Identifiers: ClinVar variation 4536807 (VCV004536807.1).
Genomic context (GRCh38, chr7:117,603,530, plus strand): 5'-TGTATTGGAAATTCAGTAAGTAACTTTGGCTGCCAAATAACGATTTCCTATTTGCTTTAC[A>C]GCACTCCTCTTCAAGACAAAGGGAATAGTACTCATAGTAGAAATAACAGCTATGCAGTGA-3'